The following is an entry in ClinVar:

NM_182916.3(TRNT1):c.443C>T (p.Ala148Val)

Gene: TRNT1 (tRNA nucleotidyl transferase 1; plus strand). Cytogenetic location: 3p26.2.
Variant type: single nucleotide variant.
Coding change: c.443C>T on transcript NM_182916.3 (MANE Select); coding-DNA position 443, C replaced by T.
Protein change: p.Ala148Val; replaces alanine 148 with valine.
Molecular consequence: missense variant. On other transcripts: non-coding transcript variant (6).
Genome position (GRCh38, 1-based): chr3:3,140,610, C>T. VCF-style: chr3-3140610-C-T. GRCh37 (hg19) VCF-style: chr3-3182294-C-T.
Other names: c.443C>T, p.Ala148Val (NM_001302946.2, NM_001367321.1, NM_001367322.1 and 1 more transcripts); short protein forms A148V.
Identifiers: ClinVar variation 691999 (VCV000691999.9), dbSNP rs761516140, ClinGen allele CA2228648.

ClinVar aggregate classification (germline): Pathogenic/Likely pathogenic. Review status: criteria provided, multiple submitters, no conflicts (2 of 4 stars). 3 submissions from 3 submitters: Pathogenic (2); Likely pathogenic (1). Last evaluated 2025-09-02.

Conditions:
Congenital sideroblastic anemia-B-cell immunodeficiency-periodic fever-developmental delay syndrome. Also called: Sideroblastic anemia with B-cell immunodeficiency, periodic fevers, and developmental delay. Identifiers: Orphanet 369861, MedGen C4015172, MONDO:0014487, OMIM 616084.

Allele frequency attached by ClinVar (database versions not stated): TOPMed 0.00001; ExAC 0.00002.

Submissions (3):

Labcorp Genetics (formerly Invitae), Labcorp
Classification: Pathogenic for Congenital sideroblastic anemia-B-cell immunodeficiency-periodic fever-developmental delay syndrome. Last evaluated: 2025-09-02. Review status: criteria provided, single submitter. Criteria: Invitae Variant Classification Sherloc (09022015). Collection method: clinical testing. Allele origin: germline.
Comment: This sequence change replaces alanine, which is neutral and non-polar, with valine, which is neutral and non-polar, at codon 148 of the TRNT1 protein (p.Ala148Val). This variant is present in population databases (rs761516140, gnomAD 0.003%). This missense change has been observed in individual(s) with clinical features of sideroblastic anemia with B-cell immunodeficiency, periodic fevers, and developmental delay (SIFD) (PMID: 25652405, 31019026, 37215601). ClinVar contains an entry for this variant (Variation ID: 691999). Invitae Evidence Modeling of protein sequence and biophysical properties (such as structural, functional, and spatial information, amino acid conservation, physicochemical variation, residue mobility, and thermodynamic stability) indicates that this missense variant is expected to disrupt TRNT1 protein function with a positive predictive value of 80%. Studies have shown that this missense change alters TRNT1 gene expression (PMID: 25652405, 37215601). For these reasons, this variant has been classified as Pathogenic.

Rady Children's Institute for Genomic Medicine, Rady Children's Hospital San Diego
Classification: Pathogenic for SIDEROBLASTIC ANEMIA WITH B-CELL IMMUNODEFICIENCY, PERIODIC FEVERS, AND DEVELOPMENTAL DELAY. Last evaluated: 2017-09-29. Review status: criteria provided, single submitter. Criteria: ACMG Guidelines, 2015. Collection method: clinical testing. Allele origin: germline. Affected: yes. Observed: 1 variant allele.
Comment: This variant was previously classified as pathogenic in an homozygous individual who presented in infancy with acute lactic acidosis, sensoneuronal deafness, sideroblastic anemia, hypotonia, seizures, progressive cortical atrophy, and sideroblastic anemia (PMID: 25652405). Functional characterization of the p.Ala148Val variant subsequently showed reduced oxidative phosphorylation activity linked to incomplete CCA addition to the non-canonical mitochondrial tRNASer(AGY) codons and impaired mitochondrial translation (PMID: 25652405). There are four records of this variant in the public reference database gnomAD, thus it is presumed to be rare (allele frequency < 0.00002). The alanine residue is highly conserved evolutionarily and in silico prediction methods predict the substitution of valine here to be damaging. Based on the available evidence, the variant is classified as pathogenic.

Juno Genomics, Hangzhou Juno Genomics, Inc
Classification: Likely pathogenic for Congenital sideroblastic anemia-B-cell immunodeficiency-periodic fever-developmental delay syndrome. Review status: criteria provided, single submitter. Criteria: ACMG Guidelines, 2015. Collection method: clinical testing. Allele origin: germline. Affected: yes.
Comment: Absent from controls (or at extremely low frequency if recessive) in Genome Aggregation Database.;For recessive disorders, detected in trans with a pathogenic variant.;Patient's phenotype or family history is highly specific for a disease with a single genetic etiology.;Well-established in vitro or in vivo functional studies supportive of a damaging effect on the gene or gene product.

Literature cited by the submitters: PubMed 25652405 (cited by Labcorp Genetics (formerly Invitae), Labcorp); PubMed 31019026 (cited by Labcorp Genetics (formerly Invitae), Labcorp); PubMed 37215601 (cited by Labcorp Genetics (formerly Invitae), Labcorp).